The following is an entry in ClinVar:

ClinVar aggregate classification (germline): Uncertain significance. Review status: criteria provided, multiple submitters, no conflicts (2 of 4 stars). 3 submissions from 3 submitters: Uncertain significance (3). Last evaluated 2026-02-03.

Conditions:
Hereditary cancer-predisposing syndrome. Also called: Tumor predisposition; Neoplastic Syndromes, Hereditary; Hereditary Cancer Syndrome; Hereditary neoplastic syndrome. Identifiers: Orphanet 140162, MedGen C0027672, MeSH D009386, MONDO:0015356.
POLD1-related polyposis and colorectal cancer syndrome (CRCS10). Also called: Colorectal cancer 10; COLORECTAL CANCER, SUSCEPTIBILITY TO, ON CHROMOSOME 19q; Colorectal cancer, susceptibility to, 10. Identifiers: Orphanet 220460, MedGen C2675481, MONDO:0012953, OMIM 612591.

Allele frequency attached by ClinVar (database versions not stated): gnomAD exomes below 0.00001 and 0.00001; ExAC 0.00001; gnomAD 0.00002; TOPMed 0.00002.
gnomAD v4.1: 9 of 1,614,048 alleles (0.00056%); highest among the groups gnomAD compares: African/African-American, 0.004%; no homozygotes.

Submissions (3):

Labcorp Genetics (formerly Invitae), Labcorp
Classification: Uncertain significance for POLD1-related polyposis and colorectal cancer syndrome. Last evaluated: 2026-02-03. Review status: criteria provided, single submitter. Criteria: Invitae Variant Classification Sherloc (09022015). Collection method: clinical testing. Allele origin: germline.
Comment: This sequence change replaces arginine, which is basic and polar, with tryptophan, which is neutral and slightly polar, at codon 81 of the POLD1 protein (p.Arg81Trp). This variant is present in population databases (rs752124373, gnomAD 0.01%). This variant has not been reported in the literature in individuals affected with POLD1-related conditions. ClinVar contains an entry for this variant (Variation ID: 560820). Invitae Evidence Modeling of protein sequence and biophysical properties (such as structural, functional, and spatial information, amino acid conservation, physicochemical variation, residue mobility, and thermodynamic stability) indicates that this missense variant is expected to disrupt POLD1 protein function with a positive predictive value of 80%. In summary, the available evidence is currently insufficient to determine the role of this variant in disease. Therefore, it has been classified as a Variant of Uncertain Significance.

Ambry Genetics
Classification: Uncertain significance for Hereditary cancer-predisposing syndrome. Last evaluated: 2024-07-23. Review status: criteria provided, single submitter. Criteria: Ambry Variant Classification Scheme 2023. Collection method: clinical testing. Allele origin: germline.
Comment: The p.R81W variant (also known as c.241C>T), located in coding exon 2 of the POLD1 gene, results from a C to T substitution at nucleotide position 241. The arginine at codon 81 is replaced by tryptophan, an amino acid with dissimilar properties. This amino acid position is conserved. In addition, the in silico prediction for this alteration is inconclusive. Since supporting evidence is limited at this time, the clinical significance of this alteration remains unclear.

PreventionGenetics, part of Exact Sciences
Classification: Uncertain significance. Last evaluated: 2017-12-06. Review status: criteria provided, single submitter. Criteria: ACMG Guidelines, 2015. Collection method: clinical testing. Allele origin: germline.

NM_002691.4(POLD1):c.241C>T (p.Arg81Trp)

Gene: POLD1 (DNA polymerase delta 1, catalytic subunit; plus strand). Cytogenetic location: 19q13.33.
Variant type: single nucleotide variant.
Coding change: c.241C>T on transcript NM_002691.4 (MANE Select); coding-DNA position 241, C replaced by T.
Protein change: p.Arg81Trp; replaces arginine 81 with tryptophan.
Molecular consequence: missense variant. On other transcripts: non-coding transcript variant (1).
Genome position (GRCh38, 1-based): chr19:50,399,409, C>T. VCF-style: chr19-50399409-C-T. GRCh37 (hg19) VCF-style: chr19-50902666-C-T.
Other names: c.241C>T, p.Arg81Trp (NM_001256849.1, NM_001308632.1); short protein forms R81W.
Identifiers: ClinVar variation 560820 (VCV000560820.15), dbSNP rs752124373, ClinGen allele CA9595660.